The following is an entry in ClinVar:

NM_032578.4(MYPN):c.3106G>A (p.Val1036Ile)

Gene: MYPN (myopalladin; plus strand). Cytogenetic location: 10q21.3.
Variant type: single nucleotide variant.
Coding change: c.3106G>A on transcript NM_032578.4 (MANE Select); coding-DNA position 3106, G replaced by A.
Protein change: p.Val1036Ile; replaces valine 1036 with isoleucine.
Molecular consequence: missense variant. On other transcripts: non-coding transcript variant (2).
Genome position (GRCh38, 1-based): chr10:68,195,480, G>A. VCF-style: chr10-68195480-G-A. GRCh37 (hg19) VCF-style: chr10-69955237-G-A.
Other names: c.3106G>A, p.Val1036Ile (NM_001256267.2); c.2224G>A, p.Val742Ile (NM_001256268.2); short protein forms V1036I, V742I.
Identifiers: ClinVar variation 2412857 (VCV002412857.3), dbSNP rs2495938206, ClinGen allele CA376857415.

ClinVar aggregate classification (germline): Uncertain significance (1 of 4 stars; one submission).

Allele frequency attached by ClinVar (database versions not stated): gnomAD exomes below 0.00001.
gnomAD v4.1: 2 of 1,614,002 alleles (0.00012%); highest among the groups gnomAD compares: Non-Finnish European, 0.00017%; no homozygotes.

Submission:

GeneDx
Classification: Uncertain significance. Last evaluated: 2022-07-26. Review status: criteria provided, single submitter. Criteria: GeneDx Variant Classification Process June 2021. Collection method: clinical testing. Allele origin: germline. Affected: yes.
Comment: Not observed at significant frequency in large population cohorts (gnomAD); In silico analysis supports that this missense variant does not alter protein structure/function; Has not been previously published as pathogenic or benign to our knowledge